The following is an entry in ClinVar:

NM_000465.4(BARD1):c.1274A>T (p.Asn425Ile)

Gene: BARD1 (BRCA1 associated RING domain 1; minus strand). Cytogenetic location: 2q35.
Variant type: single nucleotide variant.
Coding change: c.1274A>T on transcript NM_000465.4 (MANE Select); coding-DNA position 1274, A replaced by T.
Protein change: p.Asn425Ile; replaces asparagine 425 with isoleucine.
Molecular consequence: missense variant. On other transcripts: non-coding transcript variant (2), intron variant (3).
Genome position (GRCh38, 1-based): chr2:214,780,600, T>A on the plus strand (A>T on the coding strand, the complement: BARD1 is on the minus strand). VCF-style: chr2-214780600-T-A. GRCh37 (hg19) VCF-style: chr2-215645324-T-A.
Other names: c.1217A>T, p.Asn406Ile (NM_001282543.2); c.159-28045A>T (NM_001282548.2); c.215+16461A>T (NM_001282545.2); c.364+11697A>T (NM_001282549.2); short protein forms N406I, N425I.
Identifiers: ClinVar variation 5032784 (VCV005032784.1).

ClinVar aggregate classification (germline): Uncertain significance (1 of 4 stars; one submission).

Conditions:
Hereditary cancer-predisposing syndrome. Also called: Neoplastic Syndromes, Hereditary; Tumor predisposition; Hereditary neoplastic syndrome; Hereditary Cancer Syndrome. Identifiers: Orphanet 140162, MedGen C0027672, MeSH D009386, MONDO:0015356.

Submission:

Ambry Genetics
Classification: Uncertain significance for Hereditary cancer-predisposing syndrome. Last evaluated: 2026-07-05. Review status: criteria provided, single submitter. Criteria: Ambry Variant Classification Scheme 2023. Collection method: clinical testing. Allele origin: germline.
Comment: The p.N425I variant (also known as c.1274A>T), located in coding exon 4 of the BARD1 gene, results from an A to T substitution at nucleotide position 1274. The asparagine at codon 425 is replaced by isoleucine, an amino acid with dissimilar properties. This amino acid position is conserved. In addition, the in silico prediction for this alteration is inconclusive. Based on the available evidence, the clinical significance of this variant remains unclear.